The following is an entry in ClinVar:

ClinVar aggregate classification (germline): Pathogenic (1 of 4 stars; one submission).

Conditions:
Neurofibromatosis, type 1 (NF1). Also called: Peripheral type neurofibromatosis; VON RECKLINGHAUSEN DISEASE; Neurofibromatosis, type I; NEUROFIBROMATOSIS, TYPE I, SOMATIC. Identifiers: Orphanet 636, MedGen C0027831, MONDO:0018975, OMIM 162200. Disease mechanism: loss of function.

Submission:

Labcorp Genetics (formerly Invitae), Labcorp
Classification: Pathogenic for Neurofibromatosis, type 1. Last evaluated: 2023-08-11. Review status: criteria provided, single submitter. Criteria: Invitae Variant Classification Sherloc (09022015). Collection method: clinical testing. Allele origin: germline.
Comment: For these reasons, this variant has been classified as Pathogenic. ClinVar contains an entry for this variant (Variation ID: 935565). This variant has not been reported in the literature in individuals affected with NF1-related conditions. This variant is not present in population databases (gnomAD no frequency). This sequence change creates a premature translational stop signal (p.Val2410*) in the NF1 gene. It is expected to result in an absent or disrupted protein product. Loss-of-function variants in NF1 are known to be pathogenic (PMID: 10712197, 23913538).

Literature cited by the submitters: PubMed 10712197; PubMed 23913538.

NM_001042492.3(NF1):c.7290del (p.Glu2430_Val2431insTer)

Gene: NF1 (neurofibromin 1; plus strand). Cytogenetic location: 17q11.2.
Variant type: Deletion.
Coding change: c.7290del on transcript NM_001042492.3 (MANE Select); coding-DNA position 7290, one base deleted (A; older notation c.7290delA).
Protein change: p.Glu2430_Val2431insTer.
Molecular consequence: frameshift variant. On other transcripts: nonsense (1).
Genome position (GRCh38, 1-based): chr17:31,349,220, A deleted; the last of 2 consecutive A bases (chr17:31,349,219-31,349,220); deleting either gives the same sequence. VCF-style (leftmost placement, unchanged base first): chr17-31349218-GA-G. GRCh37 (hg19) VCF-style: chr17-29676236-GA-G.
Other names: c.7227delA, p.Val2410Terfs (NM_000267.4).
Identifiers: ClinVar variation 935565 (VCV000935565.6), dbSNP rs2070077732, ClinGen allele CA1139665473.